The following is an entry in ClinVar:

ClinVar aggregate classification (germline): Uncertain significance (1 of 4 stars; one submission).

Conditions:
Hereditary cancer-predisposing syndrome. Also called: Neoplastic Syndromes, Hereditary; Hereditary neoplastic syndrome; Tumor predisposition; Hereditary Cancer Syndrome. Identifiers: Orphanet 140162, MedGen C0027672, MeSH D009386, MONDO:0015356.

Submission:

Ambry Genetics
Classification: Uncertain significance for Hereditary cancer-predisposing syndrome. Last evaluated: 2023-03-11. Review status: criteria provided, single submitter. Criteria: Ambry Variant Classification Scheme 2023. Collection method: clinical testing. Allele origin: germline.
Comment: The p.M572V variant (also known as c.1714A>G), located in coding exon 13 of the SDHA gene, results from an A to G substitution at nucleotide position 1714. The methionine at codon 572 is replaced by valine, an amino acid with highly similar properties. This amino acid position is conserved. In addition, the in silico prediction for this alteration is inconclusive. Since supporting evidence is limited at this time, the clinical significance of this alteration remains unclear.

NM_004168.4(SDHA):c.1714A>G (p.Met572Val)

Gene: SDHA (succinate dehydrogenase complex flavoprotein subunit A; plus strand). Cytogenetic location: 5p15.33.
Variant type: single nucleotide variant.
Coding change: c.1714A>G on transcript NM_004168.4 (MANE Select); coding-DNA position 1714, A replaced by G.
Protein change: p.Met572Val; replaces methionine 572 with valine.
Molecular consequence: missense variant. On other transcripts: intron variant (1).
Genome position (GRCh38, 1-based): chr5:251,388, A>G. VCF-style: chr5-251388-A-G. GRCh37 (hg19) VCF-style: chr5-251503-A-G.
Other names: c.1570A>G, p.Met524Val (NM_001294332.2); c.1552-3005A>G (NM_001330758.2); short protein forms M524V, M572V.
Identifiers: ClinVar variation 2485737 (VCV002485737.2), dbSNP rs1554001924, ClinGen allele CA359000072.